The following is an entry in ClinVar:

NM_001001557.4(GDF6):c.611C>A (p.Pro204Gln)

Gene: GDF6 (growth differentiation factor 6; minus strand). Cytogenetic location: 8q22.1.
Variant type: single nucleotide variant.
Coding change: c.611C>A on transcript NM_001001557.4 (MANE Select); coding-DNA position 611, C replaced by A.
Protein change: p.Pro204Gln; replaces proline 204 with glutamine.
Molecular consequence: missense variant.
Genome position (GRCh38, 1-based): chr8:96,145,320, G>T on the plus strand (C>A on the coding strand, the complement: GDF6 is on the minus strand). VCF-style: chr8-96145320-G-T. GRCh37 (hg19) VCF-style: chr8-97157548-G-T.
Other names: short protein forms P204Q.
Identifiers: ClinVar variation 2065788 (VCV002065788.4), dbSNP rs999492360, ClinGen allele CA181485055.

ClinVar aggregate classification (germline): Uncertain significance (1 of 4 stars; one submission).

Conditions:
Klippel-Feil syndrome 1, autosomal dominant (KFS1). Also called: CERVICAL VERTEBRAL FUSION, AUTOSOMAL DOMINANT. Identifiers: Orphanet 2345, MedGen C1861689, MONDO:0007306, OMIM 118100.
Microphthalmia, isolated, with coloboma 6 (MCOPCB6). Also called: Microphthalmia with coloboma 6, digenic; Microphthalmia with coloboma 6; MICROPHTHALMIA/COLOBOMA 6. Identifiers: Orphanet 98938, MedGen C3150968, MONDO:0013376, OMIM 613703.
Isolated microphthalmia 4. Identifiers: Orphanet 2542, MedGen C2751307, MONDO:0013130, OMIM 613094.
Leber congenital amaurosis 17 (LCA17). Identifiers: Orphanet 65, MedGen C3715164, MONDO:0014145, OMIM 615360.

Submission:

Labcorp Genetics (formerly Invitae), Labcorp
Classification: Uncertain significance for Isolated microphthalmia 4; Leber congenital amaurosis 17; Klippel-Feil syndrome 1, autosomal dominant; Microphthalmia, isolated, with coloboma 6. Last evaluated: 2022-08-16. Review status: criteria provided, single submitter. Criteria: Invitae Variant Classification Sherloc (09022015). Collection method: clinical testing. Allele origin: germline.
Comment: This sequence change replaces proline, which is neutral and non-polar, with glutamine, which is neutral and polar, at codon 204 of the GDF6 protein (p.Pro204Gln). This variant is not present in population databases (gnomAD no frequency). This variant has not been reported in the literature in individuals affected with GDF6-related conditions. In summary, the available evidence is currently insufficient to determine the role of this variant in disease. Therefore, it has been classified as a Variant of Uncertain Significance. Algorithms developed to predict the effect of missense changes on protein structure and function are either unavailable or do not agree on the potential impact of this missense change (SIFT: "Tolerated"; PolyPhen-2: "Possibly Damaging"; Align-GVGD: "Class C0").